The following is an entry in ClinVar:

ClinVar aggregate classification (germline): Uncertain significance (0 of 4 stars; one submission).

Conditions:
TUB-related disorder. Also called: TUB-related condition.

gnomAD v4.1: 1 of 1,613,550 alleles (0.000062%); highest among the groups gnomAD compares: Non-Finnish European, 0.000085%; no homozygotes.

Submission:

PreventionGenetics, part of Exact Sciences
Classification: Uncertain significance for TUB-related condition. Last evaluated: 2024-08-22. Review status: no assertion criteria provided. Collection method: clinical testing. Allele origin: germline.
Comment: The TUB c.1150A>G variant is predicted to result in the amino acid substitution p.Ile384Val. To our knowledge, this variant has not been reported in the literature or in a large population database, indicating this variant is rare. At this time, the clinical significance of this variant is uncertain due to the absence of conclusive functional and genetic evidence.

NM_177972.3(TUB):c.985A>G (p.Ile329Val)

Genes: RIC3 (RIC3 acetylcholine receptor chaperone; minus strand), TUB (TUB bipartite transcription factor; plus strand). Cytogenetic location: 11p15.4.
Variant type: single nucleotide variant.
Coding change: c.985A>G on transcript NM_177972.3 (MANE Select); coding-DNA position 985, A replaced by G.
Protein change: p.Ile329Val; replaces isoleucine 329 with valine.
Molecular consequence: missense variant.
Genome position (GRCh38, 1-based): chr11:8,097,813, A>G. VCF-style: chr11-8097813-A-G. GRCh37 (hg19) VCF-style: chr11-8119360-A-G.
Other names: c.1150A>G, p.Ile384Val (NM_003320.5); short protein forms I329V, I384V.
Identifiers: ClinVar variation 3345207 (VCV003345207.1).